The following is an entry in ClinVar:

NM_032387.5(WNK4):c.1743G>A (p.Ser581=)

Gene: WNK4 (WNK lysine deficient protein kinase 4; plus strand). Cytogenetic location: 17q21.2.
Variant type: single nucleotide variant.
Coding change: c.1743G>A on transcript NM_032387.5 (MANE Select); coding-DNA position 1743, G replaced by A.
Protein change: p.Ser581=; no amino-acid change (serine 581 retained).
Molecular consequence: synonymous variant.
Genome position (GRCh38, 1-based): chr17:42,787,779, G>A. VCF-style: chr17-42787779-G-A. GRCh37 (hg19) VCF-style: chr17-40939797-G-A.
Other names: c.735G>A, p.Ser245= (NM_001321299.2).
Identifiers: ClinVar variation 890019 (VCV000890019.7), dbSNP rs754495845, ClinGen allele CA8584085.

ClinVar aggregate classification (germline): Conflicting classifications of pathogenicity. Review status: criteria provided, conflicting classifications (1 of 4 stars). 4 submissions from 4 submitters: Uncertain significance (1); Benign (1); Likely benign (2). Last evaluated 2025-02-16.

Conditions:
Pseudohypoaldosteronism type 2B (PHA2B). Also called: Pseudohypoaldosteronism Type IIB. Identifiers: Orphanet 757, Orphanet 88939, MedGen C1840390, MONDO:0013777, OMIM 614491.

Allele frequency attached by ClinVar (database versions not stated): gnomAD 0.00004; TOPMed 0.00005.
gnomAD v4.1: 35 of 1,611,734 alleles (0.0022%); highest among the groups gnomAD compares: South Asian, 0.0088%; 1 homozygote.

Submissions (4):

Labcorp Genetics (formerly Invitae), Labcorp
Classification: Uncertain significance. Last evaluated: 2025-02-16. Review status: criteria provided, single submitter. Criteria: Invitae Variant Classification Sherloc (09022015). Collection method: clinical testing. Allele origin: germline.
Comment: This sequence change affects codon 581 of the WNK4 mRNA. It is a 'silent' change, meaning that it does not change the encoded amino acid sequence of the WNK4 protein. This variant is present in population databases (rs754495845, gnomAD 0.009%). This variant has not been reported in the literature in individuals affected with WNK4-related conditions. ClinVar contains an entry for this variant (Variation ID: 890019). Algorithms developed to predict the effect of sequence changes on RNA splicing suggest that this variant may create or strengthen a splice site. In summary, the available evidence is currently insufficient to determine the role of this variant in disease. Therefore, it has been classified as a Variant of Uncertain Significance.

Fulgent Genetics
Classification: Likely benign for Pseudohypoaldosteronism type 2B. Last evaluated: 2021-12-29. Review status: criteria provided, single submitter. Criteria: ACMG Guidelines, 2015. Collection method: clinical testing. Allele origin: unknown.

Blueprint Genetics
Classification: Likely benign. Last evaluated: 2021-09-16. Review status: criteria provided, single submitter. Criteria: ACMG Guidelines, 2015. Collection method: clinical testing. Allele origin: germline.

Illumina Laboratory Services, Illumina
Classification: Benign for Pseudohypoaldosteronism type 2B. Last evaluated: 2018-01-12. Review status: criteria provided, single submitter. Criteria: ICSL Variant Classification Criteria 13 December 2019. Collection method: clinical testing. Allele origin: germline.
Comment: This variant was observed in the ICSL laboratory as part of a predisposition screen in an ostensibly healthy population. It had not been previously curated by ICSL or reported in the Human Gene Mutation Database (HGMD: prior to June 1st, 2018), and was therefore a candidate for classification through an automated scoring system. Utilizing variant allele frequency, disease prevalence and penetrance estimates, and inheritance mode, an automated score was calculated to assess if this variant is too frequent to cause the disease. Based on the score and internal cut-off values, a variant classified as benign is not then subjected to further curation. The score for this variant resulted in a classification of benign for this disease.